The following is an entry in ClinVar:

ClinVar aggregate classification (germline): Benign (1 of 4 stars; one submission).

Allele frequency attached by ClinVar (database versions not stated): gnomAD 0.01894 and 0.02039; 1000 Genomes Project 0.02077; 1000 Genomes Project 30x 0.02077; TOPMed 0.02190.
gnomAD v4.1: 2,862 of 152,188 alleles (1.9%); highest among the groups gnomAD compares: African/African-American, 6.2%; 76 homozygotes.

Submission:

GeneDx
Classification: Benign. Last evaluated: 2018-06-19. Review status: criteria provided, single submitter. Criteria: GeneDx Variant Classification (06012015). Collection method: clinical testing. Allele origin: germline. Affected: yes.
Comment: This variant is considered likely benign or benign based on one or more of the following criteria: it is a conservative change, it occurs at a poorly conserved position in the protein, it is predicted to be benign by multiple in silico algorithms, and/or has population frequency not consistent with disease.

NM_014141.6(CNTNAP2):c.551-185C>T

Gene: CNTNAP2 (contactin associated protein 2; plus strand). Cytogenetic location: 7q35.
Variant type: single nucleotide variant.
Coding change: c.551-185C>T on transcript NM_014141.6 (MANE Select); 185 bases into the intron before coding-DNA position 551, C replaced by T.
Molecular consequence: intron variant.
Genome position (GRCh38, 1-based): chr7:147,107,962, C>T. VCF-style: chr7-147107962-C-T. GRCh37 (hg19) VCF-style: chr7-146805054-C-T.
Identifiers: ClinVar variation 677372 (VCV000677372.1), dbSNP rs76659639, ClinGen allele CA168687866.
Genomic context (GRCh38, chr7:147,107,962, plus strand): 5'-TTTGTAATTAAAGTAAAATGTTCAACTGATAGAGCTTTTATGAGCATTTTTATCAATACT[C>T]TCCATAAAACCTCCTTTAAAACAAACACAGTAAATCAAAAGAAGGAATAGAAGAAAAACA-3'